The following is an entry in ClinVar:

ClinVar aggregate classification (germline): Uncertain significance (1 of 4 stars; one submission).

Conditions:
Conotruncal heart malformations (CTHM). Also called: Conotruncal heart malformations, variable. Identifiers: Orphanet 2445, Orphanet 3384, Orphanet 3426, MedGen C1857586, MONDO:0016581, OMIM 217095.

Submission:

Labcorp Genetics (formerly Invitae), Labcorp
Classification: Uncertain significance for Conotruncal heart malformations. Last evaluated: 2020-07-14. Review status: criteria provided, single submitter. Criteria: Invitae Variant Classification Sherloc (09022015). Collection method: clinical testing. Allele origin: germline.
Comment: In summary, the available evidence is currently insufficient to determine the role of this variant in disease. Therefore, it has been classified as a Variant of Uncertain Significance. Algorithms developed to predict the effect of missense changes on protein structure and function are either unavailable or do not agree on the potential impact of this missense change (SIFT: "Deleterious"; PolyPhen-2: "Probably Damaging"; Align-GVGD: "Class C15"). This variant has not been reported in the literature in individuals with NKX2-6-related conditions. This variant is not present in population databases (ExAC no frequency). This sequence change replaces glutamine with histidine at codon 181 of the NKX2-6 protein (p.Gln181His). The glutamine residue is highly conserved and there is a small physicochemical difference between glutamine and histidine.

NM_001136271.3(NKX2-6):c.543G>C (p.Gln181His)

Gene: NKX2-6 (NK2 homeobox 6; minus strand). Cytogenetic location: 8p21.2.
Variant type: single nucleotide variant.
Coding change: c.543G>C on transcript NM_001136271.3 (MANE Select); coding-DNA position 543, G replaced by C.
Protein change: p.Gln181His; replaces glutamine 181 with histidine.
Molecular consequence: missense variant.
Genome position (GRCh38, 1-based): chr8:23,702,814, C>G on the plus strand (G>C on the coding strand, the complement: NKX2-6 is on the minus strand). VCF-style: chr8-23702814-C-G. GRCh37 (hg19) VCF-style: chr8-23560327-C-G.
Other names: short protein forms Q181H.
Identifiers: ClinVar variation 1002887 (VCV001002887.5), dbSNP rs1801027083, ClinGen allele CA370602776.
Genomic context (GRCh38, chr8:23,702,814, plus strand): 5'-GTGGCCAGCCAGTTCCAGCGACTTGTCCTGGCGCTGTCTCTTGCATTTGTAGCGTCGGTT[C>G]TGGAACCAGATCTTGACCTGCGTGGACGTGAGCTGCAGCGCGCTGGCCAGGTGCTCGCGC-3'
Protein context (NP_001129743.2, residues 171-191): LTSTQVKIWF[Gln181His]NRRYKCKRQR